The following is an entry in ClinVar:

NM_016213.5(TRIP4):c.470G>T (p.Gly157Val)

Gene: TRIP4 (thyroid hormone receptor interactor 4; plus strand). Cytogenetic location: 15q22.31.
Variant type: single nucleotide variant.
Coding change: c.470G>T on transcript NM_016213.5 (MANE Select); coding-DNA position 470, G replaced by T.
Protein change: p.Gly157Val; replaces glycine 157 with valine.
Molecular consequence: missense variant. On other transcripts: 5 prime UTR variant (1), non-coding transcript variant (1).
Genome position (GRCh38, 1-based): chr15:64,397,670, G>T. VCF-style: chr15-64397670-G-T. GRCh37 (hg19) VCF-style: chr15-64689869-G-T.
Other names: c.-221G>T (NM_001321924.2); c.470G>T (NM_016213.4); short protein forms G157V.
Identifiers: ClinVar variation 3002469 (VCV003002469.4), dbSNP rs376546567, ClinGen allele CA7609384.

ClinVar aggregate classification (germline): Uncertain significance. Review status: criteria provided, multiple submitters, no conflicts (2 of 4 stars). 2 submissions from 2 submitters: Uncertain significance (2). Last evaluated 2024-12-21.

Conditions:
Inborn genetic diseases. Identifiers: MedGen C0950123, MeSH D030342.

Allele frequency attached by ClinVar (database versions not stated): TOPMed below 0.00001; gnomAD 0.00001; ExAC 0.00002; gnomAD exomes 0.00003; ESP Exome Variant Server 0.00008.
gnomAD v4.1: 44 of 1,614,102 alleles (0.0027%); highest among the groups gnomAD compares: Non-Finnish European, 0.0034%; no homozygotes.

Submissions (2):

Ambry Genetics
Classification: Uncertain significance for Inborn genetic diseases. Last evaluated: 2024-12-21. Review status: criteria provided, single submitter. Criteria: Ambry Variant Classification Scheme 2023. Collection method: clinical testing. Allele origin: germline.

Labcorp Genetics (formerly Invitae), Labcorp
Classification: Uncertain significance. Last evaluated: 2024-11-11. Review status: criteria provided, single submitter. Criteria: Invitae Variant Classification Sherloc (09022015). Collection method: clinical testing. Allele origin: germline.
Comment: This sequence change replaces glycine, which is neutral and non-polar, with valine, which is neutral and non-polar, at codon 157 of the TRIP4 protein (p.Gly157Val). This variant is present in population databases (rs376546567, gnomAD 0.008%). This variant has not been reported in the literature in individuals affected with TRIP4-related conditions. ClinVar contains an entry for this variant (Variation ID: 3002469). Invitae Evidence Modeling of protein sequence and biophysical properties (such as structural, functional, and spatial information, amino acid conservation, physicochemical variation, residue mobility, and thermodynamic stability) has been performed for this missense variant. However, the output from this modeling did not meet the statistical confidence thresholds required to predict the impact of this variant on TRIP4 protein function. In summary, the available evidence is currently insufficient to determine the role of this variant in disease. Therefore, it has been classified as a Variant of Uncertain Significance.